The following is an entry in ClinVar:

NM_152383.5(DIS3L2):c.304C>A (p.Arg102Ser)

Gene: DIS3L2 (DIS3 like 3'-5' exoribonuclease 2; plus strand). Cytogenetic location: 2q37.1.
Variant type: single nucleotide variant.
Coding change: c.304C>A on transcript NM_152383.5 (MANE Select); coding-DNA position 304, C replaced by A.
Protein change: p.Arg102Ser; replaces arginine 102 with serine.
Molecular consequence: missense variant. On other transcripts: non-coding transcript variant (2).
Genome position (GRCh38, 1-based): chr2:232,030,018, C>A. VCF-style: chr2-232030018-C-A. GRCh37 (hg19) VCF-style: chr2-232894728-C-A.
Other names: c.304C>A, p.Arg102Ser (NM_001257281.2, NM_001257282.2); short protein forms R102S.
Identifiers: ClinVar variation 952444 (VCV000952444.9), dbSNP rs1312992367, ClinGen allele CA351152926.

ClinVar aggregate classification (germline): Uncertain significance (1 of 4 stars; one submission).

Conditions:
Perlman syndrome (PRLMNS). Identifiers: Orphanet 2849, MedGen C0796113, MONDO:0009965, OMIM 267000.

Submission:

Labcorp Genetics (formerly Invitae), Labcorp
Classification: Uncertain significance for Perlman syndrome. Last evaluated: 2023-07-07. Review status: criteria provided, single submitter. Criteria: Invitae Variant Classification Sherloc (09022015). Collection method: clinical testing. Allele origin: germline.
Comment: This sequence change replaces arginine, which is basic and polar, with serine, which is neutral and polar, at codon 102 of the DIS3L2 protein (p.Arg102Ser). This variant is not present in population databases (gnomAD no frequency). This variant has not been reported in the literature in individuals affected with DIS3L2-related conditions. ClinVar contains an entry for this variant (Variation ID: 952444). Advanced modeling of protein sequence and biophysical properties (such as structural, functional, and spatial information, amino acid conservation, physicochemical variation, residue mobility, and thermodynamic stability) performed at Invitae indicates that this missense variant is expected to disrupt DIS3L2 protein function. In summary, the available evidence is currently insufficient to determine the role of this variant in disease. Therefore, it has been classified as a Variant of Uncertain Significance.